The following is an entry in ClinVar:

NM_152703.5(SAMD9L):c.3414C>A (p.Asn1138Lys)

Gene: SAMD9L (sterile alpha motif domain containing 9 like; minus strand). Cytogenetic location: 7q21.2.
Variant type: single nucleotide variant.
Coding change: c.3414C>A on transcript NM_152703.5 (MANE Select); coding-DNA position 3414, C replaced by A.
Protein change: p.Asn1138Lys; replaces asparagine 1138 with lysine.
Molecular consequence: missense variant.
Genome position (GRCh38, 1-based): chr7:93,132,558, G>T on the plus strand (C>A on the coding strand, the complement: SAMD9L is on the minus strand). VCF-style: chr7-93132558-G-T. GRCh37 (hg19) VCF-style: chr7-92761871-G-T.
Other names: c.3414C>A (NM_152703.2); c.3414C>A, p.Asn1138Lys (NM_001303496.3, NM_001303497.3, NM_001303498.3 and 5 more transcripts); short protein forms N1138K.
Identifiers: ClinVar variation 3708337 (VCV003708337.3).

ClinVar aggregate classification (germline): Uncertain significance. Review status: criteria provided, multiple submitters, no conflicts (2 of 4 stars). 2 submissions from 2 submitters: Uncertain significance (2). Last evaluated 2025-10-03.

Conditions:
Inborn genetic diseases. Identifiers: MedGen C0950123, MeSH D030342.

gnomAD v4.1: 14 of 1,613,704 alleles (0.00087%); highest among the groups gnomAD compares: Non-Finnish European, 0.0012%; no homozygotes.

Submissions (2):

Labcorp Genetics (formerly Invitae), Labcorp
Classification: Uncertain significance. Last evaluated: 2025-10-03. Review status: criteria provided, single submitter. Criteria: Invitae Variant Classification Sherloc (09022015). Collection method: clinical testing. Allele origin: germline.
Comment: This sequence change replaces asparagine, which is neutral and polar, with lysine, which is basic and polar, at codon 1138 of the SAMD9L protein (p.Asn1138Lys). This variant is present in population databases (rs752558099, gnomAD 0.002%). This variant has not been reported in the literature in individuals affected with SAMD9L-related conditions. ClinVar contains an entry for this variant (Variation ID: 3708337). Invitae Evidence Modeling of protein sequence and biophysical properties (such as structural, functional, and spatial information, amino acid conservation, physicochemical variation, residue mobility, and thermodynamic stability) indicates that this missense variant is not expected to disrupt SAMD9L protein function with a negative predictive value of 80%. In summary, the available evidence is currently insufficient to determine the role of this variant in disease. Therefore, it has been classified as a Variant of Uncertain Significance.

Ambry Genetics
Classification: Uncertain significance for Inborn genetic diseases. Last evaluated: 2025-02-25. Review status: criteria provided, single submitter. Criteria: Ambry Variant Classification Scheme 2023. Collection method: clinical testing. Allele origin: germline.
Comment: The p.N1138K variant (also known as c.3414C>A), located in coding exon 1 of the SAMD9L gene, results from a C to A substitution at nucleotide position 3414. The asparagine at codon 1138 is replaced by lysine, an amino acid with similar properties. This amino acid position is conserved. In addition, this alteration is predicted to be tolerated by in silico analysis. Based on the available evidence, the clinical significance of this variant remains unclear.